The following is an entry in ClinVar:

NM_001130144.3(LTBP3):c.2978-16_2995dup

Genes: LTBP3 (latent transforming growth factor beta binding protein 3; minus strand), LOC121832793 (Sharpr-MPRA regulatory region 4001; plus strand). Cytogenetic location: 11q13.1.
Variant type: Duplication.
Coding change: c.2978-16_2995dup on transcript NM_001130144.3 (MANE Select); 16 bases into the intron before coding-DNA position 2978 through coding-DNA position 2995, 34 bases duplicated.
Molecular consequence: splice acceptor variant.
Genome position (GRCh38, 1-based): chr11:65,540,597-65,540,630, 34 bases duplicated; duplicating any 34 consecutive bases within chr11:65,540,597-65,540,632 gives the same sequence; the c. name uses the placement nearest the transcript's 3' end. GRCh37 (hg19): chr11:65,308,070-65,308,103.
Other names: c.2627-16_2644dup (NM_001164266.1); c.2978-16_2995dup (NM_021070.4).
Identifiers: ClinVar variation 2806011 (VCV002806011.3), dbSNP rs2496124421, ClinGen allele CA2739270530.
Genomic context (GRCh38, chr11:65,540,596, plus strand): 5'-CACTCGTAGCCAGGCTGCGTGTTCACGCACTTGCCCTCCTTGCAAATCTCCGACCCGAAC[A>AACATGCACTCGTCGATGTCTGCGGGGTGACAAAC]ACATGCACTCGTCGATGTCTGCGGGGTGACAAACACTGGCCGCTCCGGTCCCGCAGCTGC-3'

ClinVar aggregate classification (germline): Uncertain significance (1 of 4 stars; one submission).

Conditions:
Brachyolmia-amelogenesis imperfecta syndrome. Also called: PLATYSPONDYLY WITH AMELOGENESIS IMPERFECTA; Tooth agenesis, selective, 6; Dental anomalies and short stature. Identifiers: Orphanet 2899, MedGen C1832594, MONDO:0011018, OMIM 601216. Disease mechanism: loss of function.

Submission:

Labcorp Genetics (formerly Invitae), Labcorp
Classification: Uncertain significance for Brachyolmia-amelogenesis imperfecta syndrome. Last evaluated: 2023-10-05. Review status: criteria provided, single submitter. Criteria: Invitae Variant Classification Sherloc (09022015). Collection method: clinical testing. Allele origin: germline.
Comment: This sequence change falls in intron 21 of the LTBP3 gene. It does not directly change the encoded amino acid sequence of the LTBP3 protein. This variant is not present in population databases (gnomAD no frequency). This variant has not been reported in the literature in individuals affected with LTBP3-related conditions. Experimental studies and prediction algorithms are not available or were not evaluated, and the effect of this variant on mRNA splicing is currently unknown. In summary, the available evidence is currently insufficient to determine the role of this variant in disease. Therefore, it has been classified as a Variant of Uncertain Significance.